The following is an entry in ClinVar:

ClinVar aggregate classification (germline): Likely benign. Review status: criteria provided, multiple submitters, no conflicts (2 of 4 stars). 2 submissions from 2 submitters: Likely benign (2). Last evaluated 2022-10-01.

Allele frequency attached by ClinVar (database versions not stated): gnomAD exomes 0.00001; ExAC 0.00003.
gnomAD v4.1: 11 of 1,613,738 alleles (0.00068%); highest among the groups gnomAD compares: East Asian, 0.016%; no homozygotes.

Submissions (2):

CeGaT Center for Human Genetics Tuebingen
Classification: Likely benign. Last evaluated: 2022-10-01. Review status: criteria provided, single submitter. Criteria: CeGaT Center For Human Genetics Tuebingen Variant Classification Criteria Version 2. Collection method: clinical testing. Allele origin: germline. Affected: yes. Observed: 1 variant allele.
Comment: CIC: BP4, BP7

Blueprint Genetics
Classification: Likely benign. Last evaluated: 2020-06-09. Review status: criteria provided, single submitter. Criteria: ACMG Guidelines, 2015. Collection method: clinical testing. Allele origin: germline.

NM_001386298.1(CIC):c.6546T>G (p.Ser2182=)

Gene: CIC (capicua transcriptional repressor; plus strand). Cytogenetic location: 19q13.2.
Variant type: single nucleotide variant.
Coding change: c.6546T>G on transcript NM_001386298.1 (MANE Select); coding-DNA position 6546, T replaced by G.
Protein change: p.Ser2182=; no amino-acid change (serine 2182 retained).
Molecular consequence: synonymous variant.
Genome position (GRCh38, 1-based): chr19:42,293,615, T>G. VCF-style: chr19-42293615-T-G. GRCh37 (hg19) VCF-style: chr19-42797767-T-G.
Other names: c.6546T>G, p.Ser2182= (NM_001304815.2, NM_001379482.1, NM_001379483.1); c.6543T>G, p.Ser2181= (NM_001379480.1); c.3819T>G, p.Ser1273= (NM_001379484.1, NM_001379485.1, NM_015125.5).
Identifiers: ClinVar variation 2650012 (VCV002650012.25), dbSNP rs751689917, ClinGen allele CA9472756.